The following is an entry in ClinVar:

ClinVar aggregate classification (germline): Uncertain significance (1 of 4 stars; one submission).

Conditions:
Hereditary cancer-predisposing syndrome. Also called: Neoplastic Syndromes, Hereditary; Tumor predisposition; Hereditary Cancer Syndrome; Hereditary neoplastic syndrome. Identifiers: Orphanet 140162, MedGen C0027672, MeSH D009386, MONDO:0015356.

Submission:

Ambry Genetics
Classification: Uncertain significance for Hereditary cancer-predisposing syndrome. Last evaluated: 2022-02-07. Review status: criteria provided, single submitter. Criteria: Ambry Variant Classification Scheme 2023. Collection method: clinical testing. Allele origin: germline.
Comment: The p.L236V variant (also known as c.706C>G), located in coding exon 7 of the TSC2 gene, results from a C to G substitution at nucleotide position 706. The leucine at codon 236 is replaced by valine, an amino acid with highly similar properties. This amino acid position is highly conserved in available vertebrate species. In addition, the in silico prediction for this alteration is inconclusive. Since supporting evidence is limited at this time, the clinical significance of this alteration remains unclear.

NM_000548.5(TSC2):c.706C>G (p.Leu236Val)

Gene: TSC2 (TSC complex subunit 2; plus strand). Cytogenetic location: 16p13.3.
Variant type: single nucleotide variant.
Coding change: c.706C>G on transcript NM_000548.5 (MANE Select); coding-DNA position 706, C replaced by G.
Protein change: p.Leu236Val; replaces leucine 236 with valine.
Molecular consequence: missense variant.
Genome position (GRCh38, 1-based): chr16:2,056,701, C>G. VCF-style: chr16-2056701-C-G. GRCh37 (hg19) VCF-style: chr16-2106702-C-G.
Other names: c.244C>G, p.Leu82Val (NM_001406681.1); c.106C>G, p.Leu36Val (NM_001406682.1, NM_001406680.1, NM_001318831.2 and 6 more transcripts); c.706C>G, p.Leu236Val (NM_001077183.3, NM_001114382.3, NM_001363528.2 and 6 more transcripts); c.595C>G, p.Leu199Val (NM_001318827.2, NM_001406670.1, NM_001406678.1); c.559C>G, p.Leu187Val (NM_001318829.2, NM_001406675.1, NM_001406676.1 and 1 more transcripts); c.739C>G, p.Leu247Val (NM_001318832.2); c.796C>G, p.Leu266Val (NM_001406667.1, NM_001406668.1); c.694C>G, p.Leu232Val (NM_001406671.1, NM_001406673.1); and 4 more; short protein forms L232V, L266V, L199V, L247V, L236V, L36V, L82V, L187V.
Identifiers: ClinVar variation 1756987 (VCV001756987.2), dbSNP rs2548461968, ClinGen allele CA394312694.